The following is an entry in ClinVar:

ClinVar aggregate classification (germline): Likely benign. Review status: criteria provided, multiple submitters, no conflicts (2 of 4 stars). 2 submissions from 2 submitters: Likely benign (2). Last evaluated 2025-10-13.

Allele frequency attached by ClinVar (database versions not stated): gnomAD exomes 0.00009 and 0.00023; TOPMed 0.00011; gnomAD 0.00012; ExAC 0.00013; ESP Exome Variant Server 0.00015.
gnomAD v4.1: 351 of 1,595,854 alleles (0.022%); highest among the groups gnomAD compares: Non-Finnish European, 0.028%; no homozygotes.

Submissions (2):

Women's Health and Genetics/Laboratory Corporation of America, LabCorp
Classification: Likely benign. Last evaluated: 2025-10-13. Review status: criteria provided, single submitter. Criteria: LabCorp Variant Classification Summary - May 2015. Collection method: clinical testing. Allele origin: germline.
Comment: Variant summary: CNTNAP1 c.715+16A>G alters a non-conserved nucleotide located at a position not widely known to affect splicing. Consensus agreement among computation tools predict no significant impact on normal splicing. However, these predictions have yet to be confirmed by functional studies. The variant allele was found at a frequency of 9.2e-05 in 227570 control chromosomes, predominantly at a frequency of 0.00017 within the Non-Finnish European subpopulation in the gnomAD database. This frequency is not significantly higher than estimated for disease-causing variants in CNTNAP1, allowing no conclusion about variant significance. To our knowledge, no occurrence of c.715+16A>G in individuals affected with CNTNAP1-related conditions and no experimental evidence demonstrating its impact on protein function have been reported. ClinVar contains an entry for this variant (Variation ID: 1650642). Based on the evidence outlined above, the variant was classified as likely benign.

Labcorp Genetics (formerly Invitae), Labcorp
Classification: Likely benign. Last evaluated: 2025-05-05. Review status: criteria provided, single submitter. Criteria: Invitae Variant Classification Sherloc (09022015). Collection method: clinical testing. Allele origin: germline.

NM_003632.3(CNTNAP1):c.715+16A>G

Gene: CNTNAP1 (contactin associated protein 1; plus strand). Cytogenetic location: 17q21.2.
Variant type: single nucleotide variant.
Coding change: c.715+16A>G on transcript NM_003632.3 (MANE Select); 16 bases into the intron after coding-DNA position 715, A replaced by G.
Molecular consequence: intron variant.
Genome position (GRCh38, 1-based): chr17:42,685,436, A>G. VCF-style: chr17-42685436-A-G. GRCh37 (hg19) VCF-style: chr17-40837454-A-G.
Identifiers: ClinVar variation 1650642 (VCV001650642.9), dbSNP rs371727880, ClinGen allele CA8581585.